The following is an entry in ClinVar:

NM_001005242.3(PKP2):c.1418A>G (p.Asn473Ser)

Gene: PKP2 (plakophilin 2; minus strand). Cytogenetic location: 12p11.21.
Variant type: single nucleotide variant.
Coding change: c.1418A>G on transcript NM_001005242.3 (MANE Select); coding-DNA position 1418, A replaced by G.
Protein change: p.Asn473Ser; replaces asparagine 473 with serine.
Molecular consequence: missense variant.
Genome position (GRCh38, 1-based): chr12:32,841,166, T>C on the plus strand (A>G on the coding strand, the complement: PKP2 is on the minus strand). VCF-style: chr12-32841166-T-C. GRCh37 (hg19) VCF-style: chr12-32994100-T-C.
Other names: p.N517S:AAT>AGT; c.1550A>G, p.Asn517Ser (NM_004572.4); c.1418A>G (NM_001005242.2); short protein forms N517S, N473S.
Identifiers: ClinVar variation 45029 (VCV000045029.58), dbSNP rs144536197, ClinGen allele CA011135.
Genomic context (GRCh38, chr12:32,841,166, plus strand): 5'-CCAGAAAAGGGGATGATGATATTCTCCGTCAGCGTAAGCAATGCTTCTGTTATCATGAGA[T>C]TCTTGAGTTTGTCATTAGATGACAAATTCCACAGCAAACCTAGAAAAGCACAGAGTTACC-3'
Protein context (NP_001005242.2, residues 463-483): WNLSSNDKLK[Asn473Ser]LMITEALLTL

ClinVar aggregate classification (germline): Conflicting classifications of pathogenicity. Review status: criteria provided, conflicting classifications (1 of 4 stars). 15 submissions from 15 submitters: Uncertain significance (1); Benign (3); Likely benign (8). 3 of the submissions do not count toward it. Last evaluated 2026-08-01.

Conditions:
Cardiovascular phenotype. Identifiers: MedGen CN230736.
Cardiomyopathy (CMYO). Also called: Cardiomyopathies. Identifiers: Orphanet 167848, MedGen C0878544, MONDO:0004994, HP:0001638. Inheritance: Various modes of inheritance.
Arrhythmogenic right ventricular dysplasia 9 (ARVD9). Also called: Arrhythmogenic Right Ventricular Dysplasia/Cardiomyopathy 9; ARRHYTHMOGENIC RIGHT VENTRICULAR DYSPLASIA, FAMILIAL, 9. Identifiers: MedGen C1836906, MONDO:0012180, OMIM 609040.

Allele frequency attached by ClinVar (database versions not stated): gnomAD 0.00038 and 0.00039; gnomAD exomes 0.00053 and 0.00027; ESP Exome Variant Server 0.00023; ExAC 0.00042; TOPMed 0.00035.
gnomAD v4.1: 492 of 1,613,650 alleles (0.03%); highest among the groups gnomAD compares: Admixed American, 0.017%; 1 homozygote.

Submissions (15):

CeGaT Center for Human Genetics Tuebingen
Classification: Likely benign. Last evaluated: 2026-08-01. Review status: criteria provided, single submitter. Criteria: CeGaT Center For Human Genetics Tuebingen Variant Classification Criteria Version 2. Collection method: clinical testing. Allele origin: germline. Affected: yes. Observed: 26 variant alleles.
Comment: PKP2: BP4

Molecular Diagnostic Laboratory for Inherited Cardiovascular Disease, Montreal Heart Institute
Classification: Likely benign. Last evaluated: 2026-03-27. Review status: criteria provided, single submitter. Criteria: ACMG Guidelines, 2015. Collection method: clinical testing. Allele origin: germline. Affected: no.
Comment: BS1, BP4

Labcorp Genetics (formerly Invitae), Labcorp
Classification: Likely benign for Arrhythmogenic right ventricular dysplasia 9. Last evaluated: 2026-02-03. Review status: criteria provided, single submitter. Criteria: Invitae Variant Classification Sherloc (09022015). Collection method: clinical testing. Allele origin: germline.

Blueprint Genetics
Classification: Likely benign. Last evaluated: 2024-04-15. Review status: criteria provided, single submitter. Criteria: ACMG Guidelines, 2015. Collection method: clinical testing. Allele origin: germline.

Women's Health and Genetics/Laboratory Corporation of America, LabCorp
Classification: Likely benign. Last evaluated: 2022-01-03. Review status: criteria provided, single submitter. Criteria: LabCorp Variant Classification Summary - May 2015. Collection method: clinical testing. Allele origin: germline.
Comment: Variant summary: PKP2 c.1550A>G (p.Asn517Ser) results in a conservative amino acid change in the encoded protein sequence. Five of five in-silico tools predict a benign effect of the variant on protein function. The variant allele was found at a frequency of 0.00049 in 282552 control chromosomes, predominantly at a frequency of 0.011 within the Ashkenazi Jewish subpopulation in the gnomAD database, including 1 homozygote. The observed variant frequency within Ashkenazi Jewish control individuals in the gnomAD database is approximately 10 fold of the estimated maximal expected allele frequency for a pathogenic variant in PKP2 causing Cardiomyopathy phenotype (0.0011), strongly suggesting that the variant is a benign polymorphism found primarily in populations of Ashkenazi Jewish origin. c.1550A>G has been reported in the literature in settings of multigene panel/WES testing as a likely benign variant in an individual affected with dilated right ventricle and in an individual with cancer (example, Ip_2013, Maxwell_2015). These report(s) do not provide unequivocal conclusions about association of the variant with Cardiomyopathy. To our knowledge, no experimental evidence demonstrating an impact on protein function has been reported. Six clinical diagnostic laboratories have submitted clinical-significance assessments for this variant to ClinVar after 2014 without evidence for independent evaluation and a predominant consensus as benign/likely benign. Based on the evidence outlined above, the variant was classified as likely benign.

GeneDx
Classification: Likely benign. Last evaluated: 2020-07-10. Review status: criteria provided, single submitter. Criteria: GeneDx Variant Classification Process June 2021. Collection method: clinical testing. Allele origin: germline. Affected: yes.
Comment: This variant is associated with the following publications: (PMID: 23861362, 23962865, 27153395, 28301460)

Illumina Laboratory Services, Illumina
Classification: Uncertain significance for Arrhythmogenic right ventricular dysplasia 9. Last evaluated: 2019-08-02. Review status: criteria provided, single submitter. Criteria: ICSL Variant Classification Criteria 13 December 2019. Collection method: clinical testing. Allele origin: germline.
Comment: This variant was observed as part of a predisposition screen in an ostensibly healthy population. A literature search was performed for the gene, cDNA change, and amino acid change (where applicable). Publications were found based on this search. However, the evidence from the literature, in combination with allele frequency data from public databases where available, was not sufficient to rule this variant in or out of causing disease. Therefore, this variant is classified as a variant of unknown significance.

CHEO Genetics Diagnostic Laboratory, Children's Hospital of Eastern Ontario
Classification: Benign for Cardiomyopathy. Last evaluated: 2018-10-16. Review status: criteria provided, single submitter. Criteria: ACMG Guidelines, 2015. Collection method: clinical testing. Allele origin: germline.

Color Diagnostics, LLC DBA Color Health
Classification: Benign for Cardiomyopathy. Last evaluated: 2018-07-29. Review status: criteria provided, single submitter. Criteria: ACMG Guidelines, 2015. Collection method: clinical testing. Allele origin: germline.

Ambry Genetics
Classification: Benign for Cardiovascular phenotype. Last evaluated: 2018-01-16. Review status: criteria provided, single submitter. Criteria: Ambry Variant Classification Scheme 2023. Collection method: clinical testing. Allele origin: germline.

Laboratory for Molecular Medicine, Mass General Brigham Personalized Medicine
Classification: Likely benign. Last evaluated: 2014-10-08. Review status: criteria provided, single submitter. Criteria: LMM Criteria. Collection method: clinical testing. Allele origin: germline. Observed: 3 variant alleles.
Comment: While this variant is rare in the ge neral population (3/8600 European American chromosomes by the NHLBI Exome Sequen cing Project; rs144536197), it appears to be common in Ashkenazi Jewish individuals (3/90 chromosomes, 3.3%; LMM unpublished data). In addition, asparagine (Asp) at position 517 is not conserved in mammals or evolutionarily distant species, supporting that a change at this position ma y be tolerated. In summary, the frequency of this variant in the Ashkenazi Jewis h population indicates it is likely benign, although a modifying effect cannot b e ruled out.

Biesecker Lab/Clinical Genomics Section, National Institutes of Health
Classification: Likely benign. Last evaluated: 2013-06-24. Review status: criteria provided, single submitter. Criteria: Ng et al. (Circ Cardiovasc Genet. 2013). Collection method: research. Allele origin: unknown. Observed: 2 variant alleles. Study: ClinSeq.
Comment: The study set was not selected for affection status in relation to any cancer. Pathogenicity categories were based on literature curation. See Pubmed ID:23861362 for details.

Medical sequencing

Clinical Genetics DNA and cytogenetics Diagnostics Lab, Erasmus MC, Erasmus Medical Center
Classification: Likely benign. Review status: no assertion criteria provided. Collection method: clinical testing. Allele origin: germline. Affected: yes. Study: VKGL Data-share Consensus. Not counted in ClinVar's aggregate classification.

Clinical Genetics, Academic Medical Center
Classification: Likely benign. Review status: no assertion criteria provided. Collection method: clinical testing. Allele origin: germline. Affected: yes. Study: VKGL Data-share Consensus. Not counted in ClinVar's aggregate classification.

Genome Diagnostics Laboratory, University Medical Center Utrecht
Classification: Likely benign. Review status: no assertion criteria provided. Collection method: clinical testing. Allele origin: germline. Affected: yes. Study: VKGL Data-share Consensus. Not counted in ClinVar's aggregate classification.

Literature cited by the submitters: PubMed 23962865 (cited by 4 submitters); PubMed 27153395 (cited by Women's Health and Genetics/Laboratory Corporation of America, LabCorp and Ambry Genetics); PubMed 23861362 (cited by Ambry Genetics); PubMed 25351510 (cited by Ambry Genetics).